The following is an entry in ClinVar:

NM_001164508.2(NEB):c.8501del (p.Lys2834fs)

Gene: NEB (nebulin; minus strand). Cytogenetic location: 2q23.3.
Variant type: Deletion.
Coding change: c.8501del on transcript NM_001164508.2 (MANE Select); coding-DNA position 8501, one base deleted (A; older notation c.8501delA).
Protein change: p.Lys2834fs; shifts the reading frame from lysine 2834.
Molecular consequence: frameshift variant.
Genome position (GRCh38, 1-based): chr2:151,640,539, T deleted on the plus strand (A on the coding strand, the reverse complement: NEB is on the minus strand); the first of 2 consecutive T bases (chr2:151,640,539-151,640,540); deleting either gives the same sequence. VCF-style (leftmost placement, unchanged base first): chr2-151640538-CT-C. GRCh37 (hg19) VCF-style: chr2-152497052-CT-C.
Other names: c.8501del, p.Lys2834fs (NM_001164507.2, NM_001271208.2, NM_004543.5); short protein forms K2834fs.
Identifiers: ClinVar variation 5015904 (VCV005015904.1).
Genomic context (GRCh38, chr2:151,640,538, plus strand): 5'-CAGCACCACCCCCAGCATGTCCACTGGGCTGCTGAACTTGGTCTTCCACTTCTCAAAGTC[CT>C]TCTTGTACTCCCTGTCACTCTGGATCTTGGCCACGTGCATGGACCACATCATCTTGGGGT-3'

ClinVar aggregate classification (germline): Pathogenic (1 of 4 stars; one submission).

Conditions:
Nemaline myopathy 2 (NEM2). Also called: Nemaline myopathy 2, autosomal recessive. Identifiers: MedGen C1850569, MONDO:0009725, OMIM 256030.

Submission:

Myriad Genetics, Inc.
Classification: Pathogenic for Nemaline myopathy 2. Last evaluated: 2026-05-13. Review status: criteria provided, single submitter. Criteria: Myriad Autosomal Dominant, Autosomal Recessive and X-Linked Classification Criteria (2023). Collection method: clinical testing. Allele origin: unknown.
Comment: NM_001271208.1(NEB):c.8501delA(K2834Rfs*28) is expected to be pathogenic in the context of NEB-related nemaline myopathy. This variant is predicted to lead to an abnormal or absent protein product due to the creation of a premature termination codon in NEB, a gene where loss-of-function variants are known to be pathogenic. Please note: this variant was assessed in the context of healthy population screening.